The following is an entry in ClinVar:

ClinVar aggregate classification (germline): Uncertain significance. Review status: criteria provided, multiple submitters, no conflicts (2 of 4 stars). 2 submissions from 2 submitters: Uncertain significance (2). Last evaluated 2024-10-02.

Conditions:
Autosomal dominant limb-girdle muscular dystrophy type 1F (LGMDD2). Also called: MUSCULAR DYSTROPHY, LIMB-GIRDLE, AUTOSOMAL DOMINANT 2; Limb-girdle muscular dystrophy, type 1F. Identifiers: Orphanet 55595, MedGen C1842062, MONDO:0012034, OMIM 608423.

Submissions (2):

Labcorp Genetics (formerly Invitae), Labcorp
Classification: Uncertain significance for Autosomal dominant limb-girdle muscular dystrophy type 1F. Last evaluated: 2024-10-02. Review status: criteria provided, single submitter. Criteria: Invitae Variant Classification Sherloc (09022015). Collection method: clinical testing. Allele origin: germline.
Comment: This sequence change replaces proline, which is neutral and non-polar, with arginine, which is basic and polar, at codon 846 of the TNPO3 protein (p.Pro846Arg). This variant is not present in population databases (gnomAD no frequency). This variant has not been reported in the literature in individuals affected with TNPO3-related conditions. ClinVar contains an entry for this variant (Variation ID: 2437156). Invitae Evidence Modeling of protein sequence and biophysical properties (such as structural, functional, and spatial information, amino acid conservation, physicochemical variation, residue mobility, and thermodynamic stability) indicates that this missense variant is not expected to disrupt TNPO3 protein function with a negative predictive value of 80%. In summary, the available evidence is currently insufficient to determine the role of this variant in disease. Therefore, it has been classified as a Variant of Uncertain Significance.

Revvity Omics, Revvity
Classification: Uncertain significance for Autosomal dominant limb-girdle muscular dystrophy type 1F. Last evaluated: 2019-05-16. Review status: criteria provided, single submitter. Criteria: ACMG Guidelines, 2015. Collection method: clinical testing. Allele origin: germline.

NM_012470.4(TNPO3):c.2537C>G (p.Pro846Arg)

Gene: TNPO3 (transportin 3; minus strand). Cytogenetic location: 7q32.1.
Variant type: single nucleotide variant.
Coding change: c.2537C>G on transcript NM_012470.4 (MANE Select); coding-DNA position 2537, C replaced by G.
Protein change: p.Pro846Arg; replaces proline 846 with arginine.
Molecular consequence: missense variant. On other transcripts: non-coding transcript variant (18).
Genome position (GRCh38, 1-based): chr7:128,970,209, G>C on the plus strand (C>G on the coding strand, the complement: TNPO3 is on the minus strand). VCF-style: chr7-128970209-G-C. GRCh37 (hg19) VCF-style: chr7-128610263-G-C.
Other names: c.2345C>G, p.Pro782Arg (NM_001191028.3, NM_001382223.1); c.2639C>G, p.Pro880Arg (NM_001382216.1); c.2618C>G, p.Pro873Arg (NM_001382217.1); c.2537C>G, p.Pro846Arg (NM_001382218.1); c.2429C>G, p.Pro810Arg (NM_001382219.1); c.2396C>G, p.Pro799Arg (NM_001382220.1); c.2393C>G, p.Pro798Arg (NM_001382221.1); c.2390C>G, p.Pro797Arg (NM_001382222.1); short protein forms P782R, P797R, P798R, P799R, P810R, P846R, P873R, P880R.
Identifiers: ClinVar variation 2437156 (VCV002437156.5), dbSNP rs2535922526, ClinGen allele CA369251973.